The following is an entry in ClinVar:

NM_004370.6(COL12A1):c.1126C>T (p.Arg376Ter)

Gene: COL12A1 (collagen type XII alpha 1 chain; minus strand). Cytogenetic location: 6q13.
Variant type: single nucleotide variant.
Coding change: c.1126C>T on transcript NM_004370.6 (MANE Select); coding-DNA position 1126, C replaced by T.
Protein change: p.Arg376Ter; replaces arginine 376 with a stop codon.
Molecular consequence: nonsense. On other transcripts: intron variant (2).
Genome position (GRCh38, 1-based): chr6:75,184,016, G>A on the plus strand (C>T on the coding strand, the complement: COL12A1 is on the minus strand). VCF-style: chr6-75184016-G-A. GRCh37 (hg19) VCF-style: chr6-75893732-G-A.
Other names: p.R376*; c.1126C>T, p.Arg376Ter (NM_001424113.1, NM_001424114.1, NM_001424115.1); c.73+18704C>T (NM_001424116.1, NM_080645.3); short protein forms R376*.
Identifiers: ClinVar variation 4280610 (VCV004280610.1).

ClinVar aggregate classification (germline): Pathogenic (0 of 4 stars; one submission).

Conditions:
Myopathic Ehlers-Danlos syndrome. Identifiers: MedGen C5680153.

gnomAD v4.1: 3 of 1,614,104 alleles (0.00019%); highest among the groups gnomAD compares: Non-Finnish European, 0.00025%; no homozygotes.

Submission:

Department of Neurology, National Center Hospital, National Center of Neurology and Psychiatry
Classification: Pathogenic for Myopathic Ehlers-Danlos syndrome. Last evaluated: 2025-10-08. Review status: no assertion criteria provided. Collection method: research. Allele origin: maternal, paternal. Affected: yes. Observed: 2 compound heterozygotes. Clinical features observed: Hypotonia, Muscle weakness.
Comment: Predicted to result in loss of function (nonsense mutation). Absent in gnomAD.

Literature cited by the submitters: DOI 10.1016/j.ejmg.2025.105057.